The following is an entry in ClinVar:

NM_001171155.2(PET100):c.173G>A (p.Arg58Gln)

Genes: PET100 (PET100 cytochrome c oxidase chaperone; plus strand), STXBP2 (syntaxin binding protein 2; plus strand). Cytogenetic location: 19p13.2.
Variant type: single nucleotide variant.
Coding change: c.173G>A on transcript NM_001171155.2 (MANE Select); coding-DNA position 173, G replaced by A.
Protein change: p.Arg58Gln; replaces arginine 58 with glutamine.
Molecular consequence: missense variant. On other transcripts: non-coding transcript variant (1).
Genome position (GRCh38, 1-based): chr19:7,631,507, G>A. VCF-style: chr19-7631507-G-A. GRCh37 (hg19) VCF-style: chr19-7696393-G-A.
Other names: c.173G>A (NM_001171155.1); short protein forms R58Q.
Identifiers: ClinVar variation 2149778 (VCV002149778.3), dbSNP rs764288722, ClinGen allele CA9142868.

ClinVar aggregate classification (germline): Uncertain significance. Review status: criteria provided, multiple submitters, no conflicts (2 of 4 stars). 2 submissions from 2 submitters: Uncertain significance (2). Last evaluated 2023-06-22.

Conditions:
Inborn genetic diseases. Identifiers: MedGen C0950123, MeSH D030342.

Allele frequency attached by ClinVar (database versions not stated): gnomAD exomes 0.00012; ExAC 0.00014.
gnomAD v4.1: 168 of 1,536,106 alleles (0.011%); highest among the groups gnomAD compares: Non-Finnish European, 0.014%; no homozygotes.

Submissions (2):

Ambry Genetics
Classification: Uncertain significance for Inborn genetic diseases. Last evaluated: 2023-06-22. Review status: criteria provided, single submitter. Criteria: Ambry Variant Classification Scheme 2023. Collection method: clinical testing. Allele origin: germline.

Labcorp Genetics (formerly Invitae), Labcorp
Classification: Uncertain significance. Last evaluated: 2021-09-17. Review status: criteria provided, single submitter. Criteria: Invitae Variant Classification Sherloc (09022015). Collection method: clinical testing. Allele origin: germline.
Comment: This sequence change replaces arginine with glutamine at codon 58 of the PET100 protein (p.Arg58Gln). The arginine residue is highly conserved and there is a small physicochemical difference between arginine and glutamine. While this variant is present in population databases (rs764288722), the frequency information is unreliable, as metrics indicate poor data quality at this position in the ExAC database. This variant has not been reported in the literature in individuals affected with PET100-related conditions. Algorithms developed to predict the effect of missense changes on protein structure and function (SIFT, PolyPhen-2, Align-GVGD) all suggest that this variant is likely to be tolerated. In summary, the available evidence is currently insufficient to determine the role of this variant in disease. Therefore, it has been classified as a Variant of Uncertain Significance.